The following is an entry in ClinVar:

ClinVar aggregate classification (germline): Uncertain significance (1 of 4 stars; one submission).

Submission:

GeneDx
Classification: Uncertain significance. Last evaluated: 2025-08-22. Review status: criteria provided, single submitter. Criteria: GeneDx Variant Classification Process June 2021. Collection method: clinical testing. Allele origin: germline. Affected: yes.
Comment: Not observed at significant frequency in large population cohorts (gnomAD); In silico analysis suggests that this missense variant does not alter protein structure/function; Has not been previously published as pathogenic or benign to our knowledge

NM_001039591.3(USP9X):c.5360A>G (p.Lys1787Arg)

Gene: USP9X (ubiquitin specific peptidase 9 X-linked; plus strand). Cytogenetic location: Xp11.4.
Variant type: single nucleotide variant.
Coding change: c.5360A>G on transcript NM_001039591.3 (MANE Select); coding-DNA position 5360, A replaced by G.
Protein change: p.Lys1787Arg; replaces lysine 1787 with arginine.
Molecular consequence: missense variant.
Genome position (GRCh38, 1-based): chrX:41,215,927, A>G. VCF-style: chrX-41215927-A-G. GRCh37 (hg19) VCF-style: chrX-41075180-A-G.
Other names: c.5360A>G, p.Lys1787Arg (NM_001039590.3); c.5375A>G, p.Lys1792Arg (NM_001410748.1, NM_001410749.1); short protein forms K1787R, K1792R.
Identifiers: ClinVar variation 3373409 (VCV003373409.2).